The following is an entry in ClinVar:

NM_001042492.3(NF1):c.3455del (p.Leu1152fs)

Gene: NF1 (neurofibromin 1; plus strand). Cytogenetic location: 17q11.2.
Variant type: Deletion.
Coding change: c.3455del on transcript NM_001042492.3 (MANE Select); coding-DNA position 3455, one base deleted (T; older notation c.3455delT).
Protein change: p.Leu1152fs; shifts the reading frame from leucine 1152.
Molecular consequence: frameshift variant.
Genome position (GRCh38, 1-based): chr17:31,232,840, T deleted; the last of 2 consecutive T bases (chr17:31,232,839-31,232,840); deleting either gives the same sequence. VCF-style (leftmost placement, unchanged base first): chr17-31232838-CT-C. GRCh37 (hg19) VCF-style: chr17-29559856-CT-C.
Other names: c.3455delT, p.Leu1152Tyrfs (NM_000267.4); short protein forms L1152fs.
Identifiers: ClinVar variation 3727559 (VCV003727559.2).

ClinVar aggregate classification (germline): Pathogenic (1 of 4 stars; one submission).

Conditions:
Neurofibromatosis, type 1 (NF1). Also called: NEUROFIBROMATOSIS, TYPE I, SOMATIC; Peripheral type neurofibromatosis; Neurofibromatosis, type I; VON RECKLINGHAUSEN DISEASE. Identifiers: Orphanet 636, MedGen C0027831, MONDO:0018975, OMIM 162200. Disease mechanism: loss of function.

Submission:

Labcorp Genetics (formerly Invitae), Labcorp
Classification: Pathogenic for Neurofibromatosis, type 1. Last evaluated: 2024-12-18. Review status: criteria provided, single submitter. Criteria: Invitae Variant Classification Sherloc (09022015). Collection method: clinical testing. Allele origin: germline.
Comment: This sequence change creates a premature translational stop signal (p.Leu1152Tyrfs*6) in the NF1 gene. It is expected to result in an absent or disrupted protein product. Loss-of-function variants in NF1 are known to be pathogenic (PMID: 10712197, 23913538). This variant is not present in population databases (gnomAD no frequency). This variant has not been reported in the literature in individuals affected with NF1-related conditions. For these reasons, this variant has been classified as Pathogenic.

Literature cited by the submitters: PubMed 10712197; PubMed 23913538.